The following is an entry in ClinVar:

ClinVar aggregate classification (germline): Pathogenic/Likely pathogenic. Review status: criteria provided, multiple submitters, no conflicts (2 of 4 stars). 2 submissions from 2 submitters: Pathogenic (1); Likely pathogenic (1). Last evaluated 2024-05-09.

Conditions:
Retinitis pigmentosa 25 (RP25). Identifiers: Orphanet 791, MedGen C1864446, MONDO:0011272, OMIM 602772.

Submissions (2):

Labcorp Genetics (formerly Invitae), Labcorp
Classification: Pathogenic. Last evaluated: 2024-05-09. Review status: criteria provided, single submitter. Criteria: Invitae Variant Classification Sherloc (09022015). Collection method: clinical testing. Allele origin: germline.
Comment: This sequence change creates a premature translational stop signal (p.Thr2648Serfs*5) in the EYS gene. It is expected to result in an absent or disrupted protein product. Loss-of-function variants in EYS are known to be pathogenic (PMID: 18836446, 20333770). The frequency data for this variant in the population databases is considered unreliable, as metrics indicate poor data quality at this position in the gnomAD database. This variant has not been reported in the literature in individuals affected with EYS-related conditions. ClinVar contains an entry for this variant (Variation ID: 1451972). For these reasons, this variant has been classified as Pathogenic.

Baylor Genetics
Classification: Likely pathogenic for Retinitis pigmentosa 25. Last evaluated: 2023-12-01. Review status: criteria provided, single submitter. Criteria: ACMG Guidelines, 2015. Collection method: clinical testing. Allele origin: unknown.

Literature cited by the submitters: PubMed 18836446 (cited by Labcorp Genetics (formerly Invitae), Labcorp); PubMed 20333770 (cited by Labcorp Genetics (formerly Invitae), Labcorp).

NM_001142800.2(EYS):c.7943_7944del (p.Thr2648fs)

Gene: EYS (EGF-like photoreceptor maintenance factor; minus strand). Cytogenetic location: 6q12.
Variant type: Deletion.
Coding change: c.7943_7944del on transcript NM_001142800.2 (MANE Select); coding-DNA positions 7943 to 7944, 2 bases deleted (CA; older notation c.7943_7944delCA).
Protein change: p.Thr2648fs; shifts the reading frame from threonine 2648.
Molecular consequence: frameshift variant.
Genome position (GRCh38, 1-based): chr6:63,762,588-63,762,589, TG deleted on the plus strand (CA on the coding strand, the reverse complement: EYS is on the minus strand); deleting any 2 consecutive bases within chr6:63,762,588-63,762,590 gives the same sequence; the c. name uses the placement nearest the transcript's 3' end. VCF-style (leftmost placement, unchanged base first): chr6-63762587-CTG-C. GRCh37 (hg19) VCF-style: chr6-64472480-CTG-C.
Other names: c.7943_7944del, p.Thr2648fs (NM_001292009.2); short protein forms T2648fs.
Identifiers: ClinVar variation 1451972 (VCV001451972.8), dbSNP rs1278985995, ClinGen allele CA568118993.
Genomic context (GRCh38, chr6:63,762,587, plus strand): 5'-TGCAGGTTGCTCCTCTGCTACAGTGGTGTGGAGGGTCATGTTCAGGATCACAGGTAGAAA[CTG>C]TCTCTGTGCAGAATGATCCTTTCCACCCAGTGGTACAATTGCAGCTGTGGGTTGAGAGAA-3'